The following is an entry in ClinVar:

NM_000051.4(ATM):c.4955T>C (p.Leu1652Ser)

Gene: ATM (ATM serine/threonine kinase; plus strand). Cytogenetic location: 11q22.3.
Variant type: single nucleotide variant.
Coding change: c.4955T>C on transcript NM_000051.4 (MANE Select); coding-DNA position 4955, T replaced by C.
Protein change: p.Leu1652Ser; replaces leucine 1652 with serine.
Molecular consequence: missense variant.
Genome position (GRCh38, 1-based): chr11:108,297,332, T>C. VCF-style: chr11-108297332-T-C. GRCh37 (hg19) VCF-style: chr11-108168059-T-C.
Other names: c.4955T>C, p.Leu1652Ser (NM_001351834.2); short protein forms L1652S.
Identifiers: ClinVar variation 3641020 (VCV003641020.2).
Genomic context (GRCh38, chr11:108,297,332, plus strand): 5'-AAAAATTATTTCTAGATAATCCGCAAGATGGGATTATGGTGAAACTAGTTGTCAATTTGT[T>C]GCAGTTATCCAAGATGGCAATAAACCACACTGGTGAAAAAGAAGTTCTAGGTAAACTACA-3'
Protein context (NP_000042.3, residues 1642-1662): GIMVKLVVNL[Leu1652Ser]QLSKMAINHT

ClinVar aggregate classification (germline): Uncertain significance (1 of 4 stars; one submission).

Conditions:
Ataxia-telangiectasia syndrome (AT). Also called: ATAXIA-TELANGIECTASIA, COMPLEMENTATION GROUP A; ATAXIA-TELANGIECTASIA, FRESNO VARIANT; LOUIS-BAR SYNDROME; Ataxia-telangiectasia, complementation group D; Ataxia-telangiectasia, complementation group E; Cerebello-oculocutaneous telangiectasia. Identifiers: Orphanet 100, MedGen C0004135, MONDO:0008840, OMIM 208900.

Submission:

Labcorp Genetics (formerly Invitae), Labcorp
Classification: Uncertain significance for Ataxia-telangiectasia syndrome. Last evaluated: 2024-02-15. Review status: criteria provided, single submitter. Criteria: Invitae Variant Classification Sherloc (09022015). Collection method: clinical testing. Allele origin: germline.
Comment: This sequence change replaces leucine, which is neutral and non-polar, with serine, which is neutral and polar, at codon 1652 of the ATM protein (p.Leu1652Ser). This variant is not present in population databases (gnomAD no frequency). This variant has not been reported in the literature in individuals affected with ATM-related conditions. An algorithm developed to predict the effect of missense changes on protein structure and function (PolyPhen-2) suggests that this variant is likely to be disruptive. In summary, the available evidence is currently insufficient to determine the role of this variant in disease. Therefore, it has been classified as a Variant of Uncertain Significance.